The following is an entry in ClinVar:

NM_018006.5(TRMU):c.1018+1G>A

Gene: TRMU (tRNA mitochondrial 2-thiouridylase; plus strand). Cytogenetic location: 22q13.31.
Variant type: single nucleotide variant.
Coding change: c.1018+1G>A on transcript NM_018006.5 (MANE Select); the canonical splice donor site of the intron after coding-DNA position 1018, G replaced by A.
Molecular consequence: splice donor variant.
Genome position (GRCh38, 1-based): chr22:46,355,589, G>A. VCF-style: chr22-46355589-G-A. GRCh37 (hg19) VCF-style: chr22-46751486-G-A.
Other names: c.1018+1G>A (NM_001282785.2); c.676+1G>A (NM_001282782.2); c.598+1G>A (NM_001282783.2, NM_001282784.2).
Identifiers: ClinVar variation 2011401 (VCV002011401.4), dbSNP rs2518212238, ClinGen allele CA411916621.

ClinVar aggregate classification (germline): Likely pathogenic (1 of 4 stars; one submission).

Submission:

Labcorp Genetics (formerly Invitae), Labcorp
Classification: Likely pathogenic. Last evaluated: 2022-06-27. Review status: criteria provided, single submitter. Criteria: Invitae Variant Classification Sherloc (09022015). Collection method: clinical testing. Allele origin: germline.
Comment: This sequence change affects a donor splice site in intron 9 of the TRMU gene. It is expected to disrupt RNA splicing. Variants that disrupt the donor or acceptor splice site typically lead to a loss of protein function (PMID: 16199547), and loss-of-function variants in TRMU are known to be pathogenic (PMID: 19732863, 23625533). This variant is not present in population databases (gnomAD no frequency). This variant has not been reported in the literature in individuals affected with TRMU-related conditions. Algorithms developed to predict the effect of sequence changes on RNA splicing suggest that this variant may disrupt the consensus splice site. In summary, the currently available evidence indicates that the variant is pathogenic, but additional data are needed to prove that conclusively. Therefore, this variant has been classified as Likely Pathogenic.

Literature cited by the submitters: PubMed 16199547; PubMed 19732863; PubMed 23625533.